The following is an entry in ClinVar:

ClinVar aggregate classification (germline): Pathogenic (1 of 4 stars; one submission).

Submission:

Labcorp Genetics (formerly Invitae), Labcorp
Classification: Pathogenic. Last evaluated: 2023-10-04. Review status: criteria provided, single submitter. Criteria: Invitae Variant Classification Sherloc (09022015). Collection method: clinical testing. Allele origin: unknown.
Comment: This variant is a gross deletion of the genomic region encompassing exon(s) 1-6 of the TBCD gene, which includes the initiator codon. This deletion extends beyond the assayed region for this gene and therefore may encompass additional genes. It is expected to result in an absent or disrupted protein product. Loss-of-function variants in TBCD are known to be pathogenic (PMID: 27666370, 27666374). This variant has not been reported in the literature in individuals affected with TBCD-related conditions. For these reasons, this variant has been classified as Pathogenic.

Literature cited by the submitters: PubMed 27666370; PubMed 27666374.

NC_000017.10:g.(?_80710070)_(80730403_?)del

Gene: TBCD (tubulin folding cofactor D). Cytogenetic location: 17q25.3.
Variant type: Deletion.
Identifiers: ClinVar variation 3243167 (VCV003243167.1).